The following is an entry in ClinVar:

NM_018100.4(EFHC1):c.1180G>A (p.Ala394Thr)

Gene: EFHC1 (EF-hand domain containing 1; plus strand). Cytogenetic location: 6p12.2.
Variant type: single nucleotide variant.
Coding change: c.1180G>A on transcript NM_018100.4 (MANE Select); coding-DNA position 1180, G replaced by A.
Protein change: p.Ala394Thr; replaces alanine 394 with threonine.
Molecular consequence: missense variant. On other transcripts: non-coding transcript variant (1).
Genome position (GRCh38, 1-based): chr6:52,469,375, G>A. VCF-style: chr6-52469375-G-A. GRCh37 (hg19) VCF-style: chr6-52334173-G-A.
Other names: c.1123G>A, p.Ala375Thr (NM_001172420.2); short protein forms A394T, A375T.
Identifiers: ClinVar variation 574025 (VCV000574025.11), dbSNP rs1562458726, ClinGen allele CA364455988.

ClinVar aggregate classification (germline): Uncertain significance (1 of 4 stars; one submission).

Conditions:
Absence seizure. Also called: Absence epilepsy. Identifiers: Orphanet 1941, MedGen C0014553.
Myoclonic epilepsy, juvenile, susceptibility to, 1. Also called: Myoclonic Epilepsy, Juvenile, 1; EJM1. Identifiers: MedGen C1850778, MONDO:0020752, OMIM 254770.

Submission:

Labcorp Genetics (formerly Invitae), Labcorp
Classification: Uncertain significance for Myoclonic epilepsy, juvenile, susceptibility to, 1; Absence seizure. Last evaluated: 2018-09-17. Review status: criteria provided, single submitter. Criteria: Invitae Variant Classification Sherloc (09022015). Collection method: clinical testing. Allele origin: germline.
Comment: In summary, the available evidence is currently insufficient to determine the role of this variant in disease. Therefore, it has been classified as a Variant of Uncertain Significance. Algorithms developed to predict the effect of missense changes on protein structure and function (SIFT, PolyPhen-2, Align-GVGD) all suggest that this variant is likely to be tolerated, but these predictions have not been confirmed by published functional studies and their clinical significance is uncertain. This variant has not been reported in the literature in individuals with EFHC1-related disease. This variant is not present in population databases (ExAC no frequency). This sequence change replaces alanine with threonine at codon 394 of the EFHC1 protein (p.Ala394Thr). The alanine residue is moderately conserved and there is a small physicochemical difference between alanine and threonine.